The following is an entry in ClinVar:

ClinVar aggregate classification (germline): Uncertain significance (1 of 4 stars; one submission).

Conditions:
Landau-Kleffner syndrome (FESD). Also called: EPILEPSY, FOCAL, WITH SPEECH DISORDER AND WITH OR WITHOUT MENTAL RETARDATION; APHASIA, ACQUIRED, WITH EPILEPSY. Identifiers: Orphanet 1945, Orphanet 725, Orphanet 98818, MedGen C0282512, MONDO:0009509, OMIM 245570.

Allele frequency attached by ClinVar (database versions not stated): gnomAD exomes below 0.00001.
gnomAD v4.1: 2 of 1,614,026 alleles (0.00012%); highest among the groups gnomAD compares: Non-Finnish European, 0.00017%; no homozygotes.

Submission:

Labcorp Genetics (formerly Invitae), Labcorp
Classification: Uncertain significance for Landau-Kleffner syndrome. Last evaluated: 2025-09-09. Review status: criteria provided, single submitter. Criteria: Invitae Variant Classification Sherloc (09022015). Collection method: clinical testing. Allele origin: germline.
Comment: This sequence change replaces threonine, which is neutral and polar, with isoleucine, which is neutral and non-polar, at codon 1082 of the GRIN2A protein (p.Thr1082Ile). This variant is not present in population databases (gnomAD no frequency). This missense change has been observed in individual(s) with clinical features of GRIN2A-related conditions (PMID: 28333917). ClinVar contains an entry for this variant (Variation ID: 2152258). Invitae Evidence Modeling of protein sequence and biophysical properties (such as structural, functional, and spatial information, amino acid conservation, physicochemical variation, residue mobility, and thermodynamic stability) indicates that this missense variant is not expected to disrupt GRIN2A protein function with a negative predictive value of 95%. In summary, the available evidence is currently insufficient to determine the role of this variant in disease. Therefore, it has been classified as a Variant of Uncertain Significance.

Literature cited by the submitters: PubMed 28333917.

NM_001134407.3(GRIN2A):c.3245C>T (p.Thr1082Ile)

Gene: GRIN2A (glutamate ionotropic receptor NMDA type subunit 2A; minus strand). Cytogenetic location: 16p13.2.
Variant type: single nucleotide variant.
Coding change: c.3245C>T on transcript NM_001134407.3 (MANE Select); coding-DNA position 3245, C replaced by T.
Protein change: p.Thr1082Ile; replaces threonine 1082 with isoleucine.
Molecular consequence: missense variant.
Genome position (GRCh38, 1-based): chr16:9,764,299, G>A on the plus strand (C>T on the coding strand, the complement: GRIN2A is on the minus strand). VCF-style: chr16-9764299-G-A. GRCh37 (hg19) VCF-style: chr16-9858156-G-A.
Other names: c.3245C>T, p.Thr1082Ile (NM_000833.5, NM_001134408.2); short protein forms T1082I.
Identifiers: ClinVar variation 2152258 (VCV002152258.4), dbSNP rs2141134067, ClinGen allele CA394708289.